The following is an entry in ClinVar:

NM_015702.3(MMADHC):c.87A>C (p.Lys29Asn)

Gene: MMADHC (metabolism of cobalamin associated D; minus strand). Cytogenetic location: 2q23.2.
Variant type: single nucleotide variant.
Coding change: c.87A>C on transcript NM_015702.3 (MANE Select); coding-DNA position 87, A replaced by C.
Protein change: p.Lys29Asn; replaces lysine 29 with asparagine.
Molecular consequence: missense variant.
Genome position (GRCh38, 1-based): chr2:149,582,194, T>G on the plus strand (A>C on the coding strand, the complement: MMADHC is on the minus strand). VCF-style: chr2-149582194-T-G. GRCh37 (hg19) VCF-style: chr2-150438708-T-G.
Other names: short protein forms K29N.
Identifiers: ClinVar variation 331383 (VCV000331383.45), dbSNP rs61750442, ClinGen allele CA1902504.
Genomic context (GRCh38, chr2:149,582,194, plus strand): 5'-TGGAGGTGCAGCAGCCACATGAGACTCATCCGAACCTGATGATCCTGCAGTCGAAAAGGC[T>G]TTGGGATTGACAACCCTTTTAACTAAAGAGCAAAATCCTGGGAGATAGGAAACCAGTCTG-3'
Protein context (NP_056517.1, residues 19-39): CSLVKRVVNP[Lys29Asn]AFSTAGSSGS

ClinVar aggregate classification (germline): Benign/Likely benign. Review status: criteria provided, multiple submitters, no conflicts (2 of 4 stars). 10 submissions from 9 submitters: Benign (5); Likely benign (4). 1 of the submissions does not count toward it. Last evaluated 2026-09-01.

Conditions:
Disorders of Intracellular Cobalamin Metabolism. Identifiers: MedGen CN043592.
Methylmalonic aciduria and homocystinuria type cblD (MAHCD). Also called: Methylmalonic aciduria with homocystinuria cblD type; METHYLMALONIC ACIDEMIA, cblH TYPE. Identifiers: Orphanet 622, Orphanet 79283, MedGen C1848552, MONDO:0010185, OMIM 277410.

Allele frequency attached by ClinVar (database versions not stated): 1000 Genomes Project 0.00559; 1000 Genomes Project 30x 0.00593; TOPMed 0.00660; gnomAD 0.00739 and 0.00751; ESP Exome Variant Server 0.00830; gnomAD exomes 0.00850 and 0.00964; ExAC 0.00881.
gnomAD v4.1: 15,179 of 1,613,984 alleles (0.94%); highest among the groups gnomAD compares: Non-Finnish European, 1.1%; 94 homozygotes.

Submissions (10):

CeGaT Center for Human Genetics Tuebingen
Classification: Benign. Last evaluated: 2026-09-01. Review status: criteria provided, single submitter. Criteria: CeGaT Center For Human Genetics Tuebingen Variant Classification Criteria Version 2. Collection method: clinical testing. Allele origin: germline. Affected: yes. Observed: 19 variant alleles.
Comment: MMADHC: BP4, BS1, BS2

Labcorp Genetics (formerly Invitae), Labcorp
Classification: Benign for Methylmalonic aciduria and homocystinuria type cblD. Last evaluated: 2026-02-04. Review status: criteria provided, single submitter. Criteria: Invitae Variant Classification Sherloc (09022015). Collection method: clinical testing. Allele origin: germline.

ARUP Laboratories, Molecular Genetics and Genomics, ARUP Laboratories
Classification: Benign. Last evaluated: 2023-09-13. Review status: criteria provided, single submitter. Criteria: ARUP Molecular Germline Variant Investigation Process 2024. Collection method: clinical testing. Allele origin: germline.

Fulgent Genetics
Classification: Likely benign for Methylmalonic aciduria and homocystinuria type cblD. Last evaluated: 2022-02-07. Review status: criteria provided, single submitter. Criteria: ACMG Guidelines, 2015. Collection method: clinical testing. Allele origin: unknown.

Illumina Laboratory Services, Illumina
Classification: Likely benign for Methylmalonic aciduria and homocystinuria type cblD. Last evaluated: 2018-01-13. Review status: criteria provided, single submitter. Criteria: ICSL Variant Classification Criteria 13 December 2019. Collection method: clinical testing. Allele origin: germline.
Comment: This variant was observed in the ICSL laboratory as part of a predisposition screen in an ostensibly healthy population. It had not been previously curated by ICSL or reported in the Human Gene Mutation Database (HGMD: prior to June 1st, 2018), and was therefore a candidate for classification through an automated scoring system. Utilizing variant allele frequency, disease prevalence and penetrance estimates, and inheritance mode, an automated score was calculated to assess if this variant is too frequent to cause the disease. Based on the score and internal cut-off values, a variant classified as likely benign is not then subjected to further curation. The score for this variant resulted in a classification of likely benign for this disease.

Illumina Laboratory Services, Illumina
Classification: Benign for Disorders of Intracellular Cobalamin Metabolism. Last evaluated: 2018-01-13. Review status: criteria provided, single submitter. Criteria: ICSL Variant Classification Criteria 13 December 2019. Collection method: clinical testing. Allele origin: germline.
Comment: This variant was observed in the ICSL laboratory as part of a predisposition screen in an ostensibly healthy population. It had not been previously curated by ICSL or reported in the Human Gene Mutation Database (HGMD: prior to June 1st, 2018), and was therefore a candidate for classification through an automated scoring system. Utilizing variant allele frequency, disease prevalence and penetrance estimates, and inheritance mode, an automated score was calculated to assess if this variant is too frequent to cause the disease. Based on the score and internal cut-off values, a variant classified as benign is not then subjected to further curation. The score for this variant resulted in a classification of benign for this disease.

Center for Pediatric Genomic Medicine, Children's Mercy Hospital and Clinics
Classification: Likely benign. Last evaluated: 2016-11-07. Review status: criteria provided, single submitter. Criteria: ACMG Guidelines, 2015. Collection method: clinical testing. Allele origin: germline.
ClinVar note: Converted during submission from Likely Benign to Likely benign.

GeneDx
Classification: Benign. Last evaluated: 2016-02-11. Review status: criteria provided, single submitter. Criteria: GeneDx Variant Classification (06012015). Collection method: clinical testing. Allele origin: germline. Affected: yes.
Comment: This variant is considered likely benign or benign based on one or more of the following criteria: it is a conservative change, it occurs at a poorly conserved position in the protein, it is predicted to be benign by multiple in silico algorithms, and/or has population frequency not consistent with disease.

Breakthrough Genomics
Classification: Likely benign. Review status: criteria provided, single submitter. Criteria: ACMG Guidelines, 2015. Collection method: not provided. Allele origin: germline. Inheritance: Autosomal recessive inheritance. Affected: yes.

Natera, Inc.
Classification: Benign for Methylmalonic aciduria with homocystinuria cblD type. Last evaluated: 2019-11-22. Review status: no assertion criteria provided. Collection method: clinical testing. Allele origin: germline. Not counted in ClinVar's aggregate classification.